The following is an entry in ClinVar:

NM_001349999.2(RBFOX2):c.234C>G (p.Ser78Arg)

Gene: RBFOX2 (RNA binding fox-1 homolog 2; minus strand). Cytogenetic location: 22q12.3.
Variant type: single nucleotide variant.
Coding change: c.234C>G on transcript NM_001349999.2 (MANE Select); coding-DNA position 234, C replaced by G.
Protein change: p.Ser78Arg; replaces serine 78 with arginine.
Molecular consequence: missense variant.
Genome position (GRCh38, 1-based): chr22:35,938,850, G>C on the plus strand (C>G on the coding strand, the complement: RBFOX2 is on the minus strand). VCF-style: chr22-35938850-G-C. GRCh37 (hg19) VCF-style: chr22-36334898-G-C.
Other names: c.234C>G, p.Ser78Arg (NM_001082578.4, NM_001082579.3, NM_001394108.1 and 7 more transcripts); c.90C>G, p.Ser30Arg (NM_001349982.2, NM_001349989.2, NM_001349990.2 and 5 more transcripts); short protein forms S30R, S78R.
Identifiers: ClinVar variation 3600431 (VCV003600431.1).

ClinVar aggregate classification (germline): Uncertain significance (1 of 4 stars; one submission).

Conditions:
Congenital heart disease (CHD). Identifiers: MedGen C0152021, MONDO:0005453. Disease mechanism: unknown.

gnomAD v4.1: 2 of 1,613,362 alleles (0.00012%); highest among the groups gnomAD compares: Non-Finnish European, 0.00017%; no homozygotes.

Submission:

Clinical Genomics Laboratory, Washington University in St. Louis
Classification: Uncertain significance for Congenital heart disease. Last evaluated: 2024-07-19. Review status: criteria provided, single submitter. Criteria: ACMG Guidelines, 2015. Collection method: clinical testing. Allele origin: germline.
Comment: The RBFOX2 c.234C>G (p.Ser78Arg) variant, to our knowledge, has not been reported in the medical literature. The highest population minor allele frequency in the population database genome aggregation database (v.2.1.1) is 0.0065% in the European non-Finnish population. Computational predictors suggest that the variant does not impact RBFOX2 function. Due to limited information, the clinical significance of this variant is uncertain.